The following is an entry in ClinVar:

NM_003737.4(DCHS1):c.5688C>T (p.Ala1896=)

Gene: DCHS1 (dachsous cadherin-related 1; minus strand). Cytogenetic location: 11p15.4.
Variant type: single nucleotide variant.
Coding change: c.5688C>T on transcript NM_003737.4 (MANE Select); coding-DNA position 5688, C replaced by T.
Protein change: p.Ala1896=; no amino-acid change (alanine 1896 retained).
Molecular consequence: synonymous variant.
Genome position (GRCh38, 1-based): chr11:6,627,351, G>A on the plus strand (C>T on the coding strand, the complement: DCHS1 is on the minus strand). VCF-style: chr11-6627351-G-A. GRCh37 (hg19) VCF-style: chr11-6648582-G-A.
Other names: c.5688C>T (NM_003737.3).
Identifiers: ClinVar variation 1335060 (VCV001335060.40), dbSNP rs367857980, ClinGen allele CA5860044.

ClinVar aggregate classification (germline): Likely benign. Review status: criteria provided, multiple submitters, no conflicts (2 of 4 stars). 4 submissions from 4 submitters: Likely benign (3). 1 of the submissions does not count toward it. Last evaluated 2025-10-01.

Conditions:
DCHS1-related disorder. Also called: DCHS1-related condition.

Allele frequency attached by ClinVar (database versions not stated): ESP Exome Variant Server 0.00008; gnomAD 0.00015 and 0.00016; ExAC 0.00016; TOPMed 0.00017; gnomAD exomes 0.00021 and 0.00026.
gnomAD v4.1: 430 of 1,607,792 alleles (0.027%); highest among the groups gnomAD compares: Non-Finnish European, 0.027%; no homozygotes.

Submissions (4):

Labcorp Genetics (formerly Invitae), Labcorp
Classification: Likely benign. Last evaluated: 2025-10-01. Review status: criteria provided, single submitter. Criteria: Invitae Variant Classification Sherloc (09022015). Collection method: clinical testing. Allele origin: germline.

Women's Health and Genetics/Laboratory Corporation of America, LabCorp
Classification: Likely benign. Last evaluated: 2024-04-23. Review status: criteria provided, single submitter. Criteria: LabCorp Variant Classification Summary - May 2015. Collection method: clinical testing. Allele origin: germline.

CeGaT Center for Human Genetics Tuebingen
Classification: Likely benign. Last evaluated: 2023-03-01. Review status: criteria provided, single submitter. Criteria: CeGaT Center For Human Genetics Tuebingen Variant Classification Criteria Version 2. Collection method: clinical testing. Allele origin: germline. Affected: yes. Observed: 3 variant alleles.
Comment: DCHS1: BP4, BP7

PreventionGenetics, part of Exact Sciences
Classification: Likely benign for DCHS1-related condition. Last evaluated: 2019-03-20. Review status: no assertion criteria provided. Collection method: clinical testing. Allele origin: germline. Not counted in ClinVar's aggregate classification.
Comment: This variant is classified as likely benign based on ACMG/AMP sequence variant interpretation guidelines (Richards et al. 2015 PMID: 25741868, with internal and published modifications).